The following is an entry in ClinVar:

ClinVar aggregate classification (germline): Uncertain significance (1 of 4 stars; one submission).

Conditions:
Cardiovascular phenotype. Identifiers: MedGen CN230736.

Allele frequency attached by ClinVar (database versions not stated): ExAC 0.00001; gnomAD exomes 0.00001.

Submission:

Ambry Genetics
Classification: Uncertain significance for Cardiovascular phenotype. Last evaluated: 2022-12-16. Review status: criteria provided, single submitter. Criteria: Ambry Variant Classification Scheme 2023. Collection method: clinical testing. Allele origin: germline.
Comment: The p.D212H variant (also known as c.634G>C), located in coding exon 4 of the SCN2B gene, results from a G to C substitution at nucleotide position 634. The aspartic acid at codon 212 is replaced by histidine, an amino acid with similar properties. This amino acid position is conserved. In addition, the in silico prediction for this alteration is inconclusive. Since supporting evidence is limited at this time, the clinical significance of this alteration remains unclear.

NM_004588.5(SCN2B):c.634G>C (p.Asp212His)

Gene: SCN2B (sodium voltage-gated channel beta subunit 2; minus strand). Cytogenetic location: 11q23.3.
Variant type: single nucleotide variant.
Coding change: c.634G>C on transcript NM_004588.5 (MANE Select); coding-DNA position 634, G replaced by C.
Protein change: p.Asp212His; replaces aspartic acid 212 with histidine.
Molecular consequence: missense variant.
Genome position (GRCh38, 1-based): chr11:118,166,901, C>G on the plus strand (G>C on the coding strand, the complement: SCN2B is on the minus strand). VCF-style: chr11-118166901-C-G. GRCh37 (hg19) VCF-style: chr11-118037616-C-G.
Other names: short protein forms D212H.
Identifiers: ClinVar variation 2496754 (VCV002496754.2), dbSNP rs762546637, ClinGen allele CA6300390.